The following is an entry in ClinVar:

NM_003664.5(AP3B1):c.2629A>G (p.Met877Val)

Gene: AP3B1 (adaptor related protein complex 3 subunit beta 1; minus strand). Cytogenetic location: 5q14.1.
Variant type: single nucleotide variant.
Coding change: c.2629A>G on transcript NM_003664.5 (MANE Select); coding-DNA position 2629, A replaced by G.
Protein change: p.Met877Val; replaces methionine 877 with valine.
Molecular consequence: missense variant.
Genome position (GRCh38, 1-based): chr5:78,039,223, T>C on the plus strand (A>G on the coding strand, the complement: AP3B1 is on the minus strand). VCF-style: chr5-78039223-T-C. GRCh37 (hg19) VCF-style: chr5-77335047-T-C.
Other names: c.2482A>G, p.Met828Val (NM_001271769.2); short protein forms M828V, M877V.
Identifiers: ClinVar variation 2042375 (VCV002042375.4), dbSNP rs1456457142, ClinGen allele CA360332239.
Genomic context (GRCh38, chr5:78,039,223, plus strand): 5'-CACCAAAAATGCAAGGCTGTCTTGGAAAGAAATAATGGGCAGCTAGTCCTTTTCCACTCA[T>C]TCGATGAAGCAGCACGTGAGTTTTCGTTGGTACAAATGCAGGAGTACTGACCTATTACAC-3'
Protein context (NP_003655.3, residues 867-887): PTKTHVLLHR[Met877Val]SGKGLAAHYF

ClinVar aggregate classification (germline): Uncertain significance (1 of 4 stars; one submission).

Conditions:
Hermansky-Pudlak syndrome 2 (HPS2). Also called: Platelet defects and oculocutaneous albinism. Identifiers: Orphanet 183678, Orphanet 79430, MedGen C1842362, MONDO:0011997, OMIM 608233.

Allele frequency attached by ClinVar (database versions not stated): gnomAD 0.00001; gnomAD exomes 0.00001.

Submission:

Labcorp Genetics (formerly Invitae), Labcorp
Classification: Uncertain significance for Hermansky-Pudlak syndrome 2. Last evaluated: 2022-07-11. Review status: criteria provided, single submitter. Criteria: Invitae Variant Classification Sherloc (09022015). Collection method: clinical testing. Allele origin: germline.
Comment: This variant has not been reported in the literature in individuals affected with AP3B1-related conditions. In summary, the available evidence is currently insufficient to determine the role of this variant in disease. Therefore, it has been classified as a Variant of Uncertain Significance. Algorithms developed to predict the effect of sequence changes on RNA splicing suggest that this variant may create or strengthen a splice site. Algorithms developed to predict the effect of missense changes on protein structure and function (SIFT, PolyPhen-2, Align-GVGD) all suggest that this variant is likely to be tolerated. This variant is present in population databases (no rsID available, gnomAD 0.004%). This sequence change replaces methionine, which is neutral and non-polar, with valine, which is neutral and non-polar, at codon 877 of the AP3B1 protein (p.Met877Val).